The following is an entry in ClinVar:

ClinVar aggregate classification (germline): Likely pathogenic (1 of 4 stars; one submission).

Conditions:
Hereditary cancer-predisposing syndrome. Also called: Tumor predisposition; Hereditary neoplastic syndrome; Hereditary Cancer Syndrome; Neoplastic Syndromes, Hereditary. Identifiers: Orphanet 140162, MedGen C0027672, MeSH D009386, MONDO:0015356.

Submission:

Ambry Genetics
Classification: Likely pathogenic for Hereditary cancer-predisposing syndrome. Last evaluated: 2025-04-25. Review status: criteria provided, single submitter. Criteria: Ambry Variant Classification Scheme 2023. Collection method: clinical testing. Allele origin: germline.
Comment: The c.1094_1108+1230del1245insCACATTAGG variant results from a deletion of 1245 nucleotides and insertion of 9 nucleotides at positions c.1094 to c.1108+1230 and involves the canonical splice donor site after coding exon 8 of the STK11 gene. Based on internal structural analysis, this variant is anticipated to disrupt a region of known function (Sapkota GP, et al. J Biol Chem 2001 Jun;276(22):19469-82; Houde VP,et al. Biochem J 2014 Feb;458(1):41-56; Granado-Mart&iacute;nez P, et al. Commun Biol 2020 Jul;3(1):366; Alavizargar A, et al. ACS Phys Chem Au 2024 Mar;4(2):167-179; Trelford CB, et al. Cell Commun Signal 2024 Jun;22(1):310; Ambry internal data). The canonical splice donor site is highly conserved in available vertebrate species. In silico splice site analysis predicts that this alteration will weaken the native splice donor site and may result in the creation or strengthening of a novel donor splice site; however, the exact impact of this alteration on STK11 splicing and function is currently unknown. Alterations that disrupt the canonical splice site are expected to cause aberrant splicing, resulting in an abnormal protein or a transcript that is subject to nonsense-mediated mRNA decay. As such, this alteration is classified as likely pathogenic.

Literature cited by the submitters: PubMed 11297520; PubMed 24295069; PubMed 32647375; PubMed 38560754; PubMed 38844908.

NM_000455.5(STK11):c.1094_1108+1230delinsCACATTAGG

Genes: STK11 (serine/threonine kinase 11; plus strand), LOC130062899 (ATAC-STARR-seq lymphoblastoid active region 13597; plus strand). Cytogenetic location: 19p13.3.
Variant type: Indel.
Coding change: c.1094_1108+1230delinsCACATTAGG on transcript NM_000455.5 (MANE Select); coding-DNA position 1094 through 1230 bases into the intron after coding-DNA position 1108, the reference bases replaced by CACATTAGG.
Molecular consequence: splice donor variant.
Genome position (GRCh38, 1-based): chr19:1,223,158-1,224,402, 1,245 bases replaced. GRCh37 (hg19): chr19:1,223,157-1,224,401.
Identifiers: ClinVar variation 3963264 (VCV003963264.1).